The following is an entry in ClinVar:

ClinVar aggregate classification (germline): Conflicting classifications of pathogenicity. Review status: criteria provided, conflicting classifications (1 of 4 stars). 11 submissions from 10 submitters: Pathogenic (1); Likely pathogenic (5); Uncertain significance (4). 1 of the submissions does not count toward it. Last evaluated 2025-12-21.

Conditions:
Left ventricular noncompaction 10 (LVNC10). Identifiers: Orphanet 154, Orphanet 54260, MedGen C3715165, MONDO:0014163, OMIM 615396.
Hypertrophic cardiomyopathy 4. Also called: Familial hypertrophic cardiomyopathy 4. Identifiers: MedGen C1861862, MONDO:0007268, OMIM 115197.
Hypertrophic cardiomyopathy. Also called: HYPERTROPHIC MYOCARDIOPATHY. Identifiers: Orphanet 217569, MedGen C0007194, MeSH D002312, MONDO:0005045, HP:0001639.

Allele frequency attached by ClinVar (database versions not stated): gnomAD exomes below 0.00001.
gnomAD v4.1: 7 of 1,613,960 alleles (0.00043%); highest among the groups gnomAD compares: Non-Finnish European, 0.00042%; no homozygotes.

Submissions (11):

Labcorp Genetics (formerly Invitae), Labcorp
Classification: Likely pathogenic for Hypertrophic cardiomyopathy. Last evaluated: 2025-12-21. Review status: criteria provided, single submitter. Criteria: Invitae Variant Classification Sherloc (09022015). Collection method: clinical testing. Allele origin: germline.
Comment: This sequence change replaces arginine, which is basic and polar, with tryptophan, which is neutral and slightly polar, at codon 817 of the MYBPC3 protein (p.Arg817Trp). The frequency data for this variant in the population databases is considered unreliable, as metrics indicate poor data quality at this position in the gnomAD database. This missense change has been observed in individuals with nonimmune hydrops fetalis and hypertrophic cardiomyopathy (PMID: 25351510, 27532257, 28749478, 33782553, 36264615; internal data). ClinVar contains an entry for this variant (Variation ID: 164078). An algorithm developed to predict the effect of missense changes on protein structure and function (PolyPhen-2) suggests that this variant is likely to be disruptive. This variant disrupts the p.Arg817 amino acid residue in MYBPC3. Other variant(s) that disrupt this residue have been determined to be pathogenic (PMID: 26914223, 27532257). This suggests that this residue is clinically significant, and that variants that disrupt this residue are likely to be disease-causing. In summary, the currently available evidence indicates that the variant is pathogenic, but additional data are needed to prove that conclusively. Therefore, this variant has been classified as Likely Pathogenic.

Dasa
Classification: Uncertain significance. Last evaluated: 2025-11-13. Review status: criteria provided, single submitter. Criteria: DASA Assertion Criteria. Collection method: clinical testing. Allele origin: germline.
Comment: NM_000256.3(MYBPC3):c.2449C>T (p.Arg817Trp) is a missense variant that results in the substitution of arginine with tryptophan. This variant has been recurrently observed in individuals with MYBPC3-related disorders (PMID: 36264615; PMID: 28749478; PMID: 27532257; PMID: 25351510). The currently available literature and clinical evidence are not sufficient to establish a definitive association between this variant and the reported condition. Therefore, this variant is classified as a variant of uncertain significance.

Genomic Medicine Center of Excellence, King Faisal Specialist Hospital and Research Centre
Classification: Likely pathogenic for Hypertrophic cardiomyopathy 4. Last evaluated: 2024-10-13. Review status: criteria provided, single submitter. Criteria: ACMG Guidelines, 2015. Collection method: clinical testing. Allele origin: germline.
Comment: This variant (GRCh38; NM_000256.3:c.2449C>T:p.Arg817Trp) results in a missense mutation with the conversion of Arginine (Basic amino acid) to Tryptophane (Nonpolar amino acid) in the MYBPC3 protein. Located in a mutational hot spot and/or critical and well established functional domain without benign variation. Not observed at significant frequency in large population cohorts (gnomAD). Novel missense change at an amino acid residue where a different missense change determined to be pathogenic has been seen before. This variant has a strong Conservation score. Multiple lines of computational evidence of this variant support a deleterious effect on the gene or gene product for this variant. ClinVar contains an entry for this variant (Variation ID:164078). This variant is associated with the following publications: PubMed: 25351510, 28749478, 36264615, 33782553, 26914223 In summary, this variant meets our criteria for classification as Likely pathogenic based on the evidence outlined.

GeneDx
Classification: Uncertain significance. Last evaluated: 2024-03-06. Review status: criteria provided, single submitter. Criteria: GeneDx Variant Classification Process June 2021. Collection method: clinical testing. Allele origin: germline. Affected: yes.
Comment: Identified in association with HCM in published literature (PMID: 27532257, 25351510, 33782553); Reported to be homozygous in at least one fetus with nonimmune hydrops fatalis (PMID: 28749478); Identified in a patient with HCM and status-post heart transplant who also harbored a second pathogenic variant in the MYBPC3 gene (PMID: 36136372); Not observed at significant frequency in large population cohorts (gnomAD); In silico analysis supports that this missense variant has a deleterious effect on protein structure/function; This variant is associated with the following publications: (PMID: 25351510, 26914223, 28679633, 34428338, 33782553, 27532257, 34645488, 34515413, 28749478, 36136372)

Baylor Genetics
Classification: Likely pathogenic for Left ventricular noncompaction 10. Last evaluated: 2024-01-05. Review status: criteria provided, single submitter. Criteria: ACMG Guidelines, 2015. Collection method: clinical testing. Allele origin: unknown.

Baylor Genetics
Classification: Likely pathogenic for Hypertrophic cardiomyopathy 4. Last evaluated: 2024-01-05. Review status: criteria provided, single submitter. Criteria: ACMG Guidelines, 2015. Collection method: clinical testing. Allele origin: unknown.

Department of Pathology and Laboratory Medicine, Sinai Health System
Classification: Likely pathogenic for Hypertrophic cardiomyopathy 4; Left ventricular noncompaction 10. Last evaluated: 2023-12-04. Review status: criteria provided, single submitter. Criteria: ACMG Guidelines, 2015. Collection method: research. Allele origin: germline.

Genetics and Molecular Pathology, SA Pathology
Classification: Uncertain significance for Hypertrophic cardiomyopathy 4. Last evaluated: 2022-09-21. Review status: criteria provided, single submitter. Criteria: ACMG Guidelines, 2015. Collection method: clinical testing. Allele origin: germline. Inheritance: Autosomal dominant inheritance. Affected: yes.
Comment: The MYBPC3 c.2449C>T variant is classified as VUS (PS4_Moderate, PM2, PP3) The MYBPC3 c.2449C>T variant is a single nucleotide change in exon 25/35 of the MYBPC3 gene, which is predicted to change the amino acid arginine at position 817 in the protein, to tryptophan. The variant has been reported in at least 6 probands with a clinical presentation of Hypertrophic cardiomyopathy (PS4_Moderate) (PMID#25351510, 28749478, 33782553). Other variants at this same amino acid have also been reported in individuals with HCM (p.Arg817Gln/Gly) (PMID#26914223, 3378553). This variant is absent from population databases (PM2), is reported in dbSNP (rs727503188), is reported as ?disease causing in HGMD (CM1516385) and is reported with conflicting interpretations of pathogenicity by other diagnostic laboratories (ClinVar#164078). Computational predictions support a deleterious effect on the gene or gene product (PP3). Parental testing was implied and indicated a 'lack of phenotype in carrier' however this was not confirmed with cardiac imaging (PubMed#28749478).

Blueprint Genetics
Classification: Uncertain significance. Last evaluated: 2020-12-15. Review status: criteria provided, single submitter. Criteria: ACMG Guidelines, 2015. Collection method: clinical testing. Allele origin: germline.

Fulgent Genetics
Classification: Pathogenic for Hypertrophic cardiomyopathy 4; Left ventricular noncompaction 10. Last evaluated: 2018-10-31. Review status: criteria provided, single submitter. Criteria: ACMG Guidelines, 2015. Collection method: clinical testing. Allele origin: unknown.

Laboratory for Molecular Medicine, Mass General Brigham Personalized Medicine
Classification: Uncertain significance. Last evaluated: 2013-02-12. Review status: no assertion criteria provided. Collection method: clinical testing. Allele origin: germline. Observed: 1 variant allele. Not counted in ClinVar's aggregate classification.
Comment: proposed classification - variant undergoing re-assessment, contact laboratory

Literature cited by the submitters: PubMed 25351510 (cited by 3 submitters); PubMed 27532257 (cited by Labcorp Genetics (formerly Invitae), Labcorp and Dasa); PubMed 28749478 (cited by 3 submitters); PubMed 33782553 (cited by Labcorp Genetics (formerly Invitae), Labcorp and Genetics and Molecular Pathology, SA Pathology); PubMed 36264615 (cited by Labcorp Genetics (formerly Invitae), Labcorp and Dasa); PubMed 26914223 (cited by Labcorp Genetics (formerly Invitae), Labcorp and Genetics and Molecular Pathology, SA Pathology); PubMed 3378553 (cited by Genetics and Molecular Pathology, SA Pathology).

NM_000256.3(MYBPC3):c.2449C>T (p.Arg817Trp)

Gene: MYBPC3 (myosin binding protein C3; minus strand). Cytogenetic location: 11p11.2.
Variant type: single nucleotide variant.
Coding change: c.2449C>T on transcript NM_000256.3 (MANE Select); coding-DNA position 2449, C replaced by T.
Protein change: p.Arg817Trp; replaces arginine 817 with tryptophan.
Molecular consequence: missense variant.
Genome position (GRCh38, 1-based): chr11:47,337,544, G>A on the plus strand (C>T on the coding strand, the complement: MYBPC3 is on the minus strand). VCF-style: chr11-47337544-G-A. GRCh37 (hg19) VCF-style: chr11-47359095-G-A.
Other names: short protein forms R817W.
Identifiers: ClinVar variation 164078 (VCV000164078.26), dbSNP rs727503188, ClinGen allele CA012285.